The following is an entry in ClinVar:

ClinVar aggregate classification (germline): Likely pathogenic (1 of 4 stars; one submission).

Conditions:
GNPTAB-mucolipidosis. Also called: UDP-N-acetylglucosamine-1-phosphotransferase subunit alpha/beta deficiency. Identifiers: MedGen CN322573, MONDO:0100122.

Submission:

Myriad Genetics, Inc.
Classification: Likely pathogenic for GNPTAB-mucolipidosis. Last evaluated: 2022-03-31. Review status: criteria provided, single submitter. Criteria: Myriad Autosomal Dominant, Autosomal Recessive and X-Linked Classification Criteria (2023). Collection method: clinical testing. Allele origin: unknown.
Comment: NM_024312.4(GNPTAB):c.733delA(T245Qfs*22) is expected to be pathogenic in the context of GNPTAB-related disorders. This variant is predicted to lead to an abnormal or absent protein product due to the creation of a premature termination codon in GNPTAB, a gene where loss-of-function variants are known to be pathogenic. Please note: this variant was assessed in the context of healthy population screening.

NM_024312.5(GNPTAB):c.733del (p.Thr245fs)

Gene: GNPTAB (N-acetylglucosamine-1-phosphate transferase subunits alpha and beta; minus strand). Cytogenetic location: 12q23.2.
Variant type: Deletion.
Coding change: c.733del on transcript NM_024312.5 (MANE Select); coding-DNA position 733, one base deleted (A; older notation c.733delA).
Protein change: p.Thr245fs; shifts the reading frame from threonine 245.
Molecular consequence: frameshift variant.
Genome position (GRCh38, 1-based): chr12:101,780,190, T deleted on the plus strand (A on the coding strand, the reverse complement: GNPTAB is on the minus strand); the first of 5 consecutive T bases (chr12:101,780,190-101,780,194); deleting any one gives the same sequence. VCF-style (leftmost placement, unchanged base first): chr12-101780189-GT-G. GRCh37 (hg19) VCF-style: chr12-102173967-GT-G.
Other names: short protein forms T245fs.
Identifiers: ClinVar variation 1725683 (VCV001725683.3), dbSNP rs398124400, ClinGen allele CA2580085624.
Genomic context (GRCh38, chr12:101,780,189, plus strand): 5'-TGCTCTATTTTCTATGTTCTTACCAGTTTGACTTTAGAGGAAAGATTTTCTGGCAATTTT[GT>G]TTTTAGTTGATTTGTTTCCTTGAATGTTGGTGGAAATCCACTCAGGAAAGCCAAATCTTG-3'